The following is an entry in ClinVar:

ClinVar aggregate classification (germline): Pathogenic (1 of 4 stars; one submission).

Conditions:
Maple syrup urine disease (MSUD). Identifiers: Orphanet 511, MedGen C0024776, MeSH D008375, MONDO:0009563. Disease mechanism: loss of function.

Submission:

Labcorp Genetics (formerly Invitae), Labcorp
Classification: Pathogenic for Maple syrup urine disease. Last evaluated: 2020-06-14. Review status: criteria provided, single submitter. Criteria: Invitae Variant Classification Sherloc (09022015). Collection method: clinical testing. Allele origin: germline.
Comment: This sequence change affects a donor splice site in the last intron (intron 10) of the DBT gene. While this is not anticipated to result in nonsense mediated decay, it likely alters RNA splicing and results in a disrupted protein product. This variant is not present in population databases (ExAC no frequency). This variant has been observed in individual(s) with maple syrup urine disease (Invitae). In at least one individual the data is consistent with the variant being in trans (on the opposite chromosome) from a pathogenic variant. Nucleotide substitutions within the consensus splice site are a relatively common cause of aberrant splicing (PMID: 17576681, 9536098). Algorithms developed to predict the effect of sequence changes on RNA splicing suggest that this variant may disrupt the consensus splice site, but this prediction has not been confirmed by published transcriptional studies. This variant disrupts the p.Met477 amino acid residue in DBT. Other variant(s) that disrupt this residue have been determined to be pathogenic (PMID: 20307994, Invitae). This suggests that this residue is clinically significant, and that variants that disrupt this residue are likely to be disease-causing. For these reasons, this variant has been classified as Pathogenic.

Literature cited by the submitters: PubMed 17576681; PubMed 9536098; PubMed 20307994.

NM_001918.5(DBT):c.1281+2T>A

Gene: DBT (dihydrolipoamide branched chain transacylase E2; minus strand). Cytogenetic location: 1p21.2.
Variant type: single nucleotide variant.
Coding change: c.1281+2T>A on transcript NM_001918.5 (MANE Select); the canonical splice donor site of the intron after coding-DNA position 1281, T replaced by A.
Molecular consequence: splice donor variant.
Genome position (GRCh38, 1-based): chr1:100,206,228, A>T on the plus strand (T>A on the coding strand, the complement: DBT is on the minus strand). VCF-style: chr1-100206228-A-T. GRCh37 (hg19) VCF-style: chr1-100671784-A-T.
Other names: c.738+2T>A (NM_001399972.1, NM_001399969.1).
Identifiers: ClinVar variation 1076295 (VCV001076295.9), dbSNP rs2100779270, ClinGen allele CA341329695.